The following is an entry in ClinVar:

NM_001376.5(DYNC1H1):c.13495G>C (p.Gly4499Arg)

Gene: DYNC1H1 (dynein cytoplasmic 1 heavy chain 1; plus strand). Cytogenetic location: 14q32.31.
Variant type: single nucleotide variant.
Coding change: c.13495G>C on transcript NM_001376.5 (MANE Select); coding-DNA position 13495, G replaced by C.
Protein change: p.Gly4499Arg; replaces glycine 4499 with arginine.
Molecular consequence: missense variant.
Genome position (GRCh38, 1-based): chr14:102,049,562, G>C. VCF-style: chr14-102049562-G-C. GRCh37 (hg19) VCF-style: chr14-102515899-G-C.
Other names: short protein forms G4499R.
Identifiers: ClinVar variation 2748419 (VCV002748419.3), dbSNP rs2048775221, ClinGen allele CA391049554.

ClinVar aggregate classification (germline): Uncertain significance (1 of 4 stars; one submission).

Conditions:
Charcot-Marie-Tooth disease axonal type 2O. Also called: CHARCOT-MARIE-TOOTH NEUROPATHY, AXONAL, TYPE 2O; CHARCOT-MARIE-TOOTH DISEASE, AXONAL, AUTOSOMAL DOMINANT, TYPE 2O; Charcot-Marie-Tooth Neuropathy Type 2O; Charcot-Marie-Tooth disease, axonal, type 20. Identifiers: Orphanet 284232, MedGen C3280220, MONDO:0013644, OMIM 614228.

Submission:

Labcorp Genetics (formerly Invitae), Labcorp
Classification: Uncertain significance for Charcot-Marie-Tooth disease axonal type 2O. Last evaluated: 2023-07-30. Review status: criteria provided, single submitter. Criteria: Invitae Variant Classification Sherloc (09022015). Collection method: clinical testing. Allele origin: germline.
Comment: In summary, the available evidence is currently insufficient to determine the role of this variant in disease. Therefore, it has been classified as a Variant of Uncertain Significance. Advanced modeling of protein sequence and biophysical properties (such as structural, functional, and spatial information, amino acid conservation, physicochemical variation, residue mobility, and thermodynamic stability) performed at Invitae indicates that this missense variant is not expected to disrupt DYNC1H1 protein function. This variant has not been reported in the literature in individuals affected with DYNC1H1-related conditions. This variant is not present in population databases (gnomAD no frequency). This sequence change replaces glycine, which is neutral and non-polar, with arginine, which is basic and polar, at codon 4499 of the DYNC1H1 protein (p.Gly4499Arg).